The following is an entry in ClinVar:

ClinVar aggregate classification (germline): Conflicting classifications of pathogenicity. Review status: criteria provided, conflicting classifications (1 of 4 stars). 3 submissions from 3 submitters: Uncertain significance (1); Likely benign (1). 1 of the submissions does not count toward it. Last evaluated 2025-12-31.

Conditions:
T-B+ severe combined immunodeficiency due to JAK3 deficiency. Also called: SCID, T CELL-NEGATIVE, B CELL-POSITIVE, NK CELL-NEGATIVE; SCID, autosomal recessive, T-negative/B-positive type. Identifiers: Orphanet 35078, MedGen C1833275, MONDO:0010938, OMIM 600802.
JAK3-related disorder. Also called: JAK3-related condition.

Allele frequency attached by ClinVar (database versions not stated): gnomAD 0.00002 and 0.00003; TOPMed 0.00006; gnomAD exomes 0.00007 and 0.00017; ExAC 0.00013; 1000 Genomes Project 0.00020; 1000 Genomes Project 30x 0.00031.
gnomAD v4.1: 44 of 1,614,154 alleles (0.0027%); highest among the groups gnomAD compares: Admixed American, 0.072%; no homozygotes.

Submissions (3):

Labcorp Genetics (formerly Invitae), Labcorp
Classification: Likely benign for T-B+ severe combined immunodeficiency due to JAK3 deficiency. Last evaluated: 2025-12-31. Review status: criteria provided, single submitter. Criteria: Invitae Variant Classification Sherloc (09022015). Collection method: clinical testing. Allele origin: germline.

Illumina Laboratory Services, Illumina
Classification: Uncertain significance for T-B+ severe combined immunodeficiency due to JAK3 deficiency. Last evaluated: 2018-01-13. Review status: criteria provided, single submitter. Criteria: ICSL Variant Classification Criteria 13 December 2019. Collection method: clinical testing. Allele origin: germline.

PreventionGenetics, part of Exact Sciences
Classification: Likely benign for JAK3-related condition. Last evaluated: 2020-03-30. Review status: no assertion criteria provided. Collection method: clinical testing. Allele origin: germline. Not counted in ClinVar's aggregate classification.
Comment: This variant is classified as likely benign based on ACMG/AMP sequence variant interpretation guidelines (Richards et al. 2015 PMID: 25741868, with internal and published modifications).

NM_000215.4(JAK3):c.1653A>G (p.Thr551=)

Gene: JAK3 (Janus kinase 3; minus strand). Cytogenetic location: 19p13.11.
Variant type: single nucleotide variant.
Coding change: c.1653A>G on transcript NM_000215.4 (MANE Select); coding-DNA position 1653, A replaced by G.
Protein change: p.Thr551=; no amino-acid change (threonine 551 retained).
Molecular consequence: synonymous variant.
Genome position (GRCh38, 1-based): chr19:17,837,980, T>C on the plus strand (A>G on the coding strand, the complement: JAK3 is on the minus strand). VCF-style: chr19-17837980-T-C. GRCh37 (hg19) VCF-style: chr19-17948789-T-C.
Identifiers: ClinVar variation 328513 (VCV000328513.18), dbSNP rs201698409, ClinGen allele CA9301824.
Genomic context (GRCh38, chr19:17,837,980, plus strand): 5'-CATTGCTCTCACCTCCATGCAGTTCTTGTGCTTGGCATCCATGACCTTCAGCAGCACCTC[T>C]GTCTTTCGGGCCTCCCCATCCACCACCTCATGGCGACAGCCCCGGTAAATCTTGGTGAAG-3'
Protein context (NP_000206.2, residues 541-561): HEVVDGEARK[Thr551=]EVLLKVMDAK